The following is an entry in ClinVar:

NM_018060.4(IARS2):c.1552C>A (p.Pro518Thr)

Gene: IARS2 (isoleucyl-tRNA synthetase 2, mitochondrial; plus strand). Cytogenetic location: 1q41.
Variant type: single nucleotide variant.
Coding change: c.1552C>A on transcript NM_018060.4 (MANE Select); coding-DNA position 1552, C replaced by A.
Protein change: p.Pro518Thr; replaces proline 518 with threonine.
Molecular consequence: missense variant.
Genome position (GRCh38, 1-based): chr1:220,114,386, C>A. VCF-style: chr1-220114386-C-A. GRCh37 (hg19) VCF-style: chr1-220287728-C-A.
Other names: p.Pro518Thr; short protein forms P518T.
Identifiers: ClinVar variation 4684188 (VCV004684188.1).

ClinVar aggregate classification (germline): Likely benign (1 of 4 stars; one submission).

gnomAD v4.1: 27 of 1,613,726 alleles (0.0017%); highest among the groups gnomAD compares: East Asian, 0.056%; 2 homozygotes.

Submission:

Mayo Clinic Laboratories, Mayo Clinic
Classification: Likely benign. Last evaluated: 2025-11-07. Review status: criteria provided, single submitter. Criteria: ACMG Guidelines, 2015. Collection method: clinical testing. Allele origin: germline. Observed: 1 variant allele.
Comment: BS1, BP4